The following is an entry in ClinVar:

ClinVar aggregate classification (germline): Uncertain significance (1 of 4 stars; one submission).

Conditions:
Ehlers-Danlos syndrome, classic type, 1 (EDSCL1). Also called: Ehlers-Danlos syndrome, type 1; Ehlers-Danlos Syndrome, Classic Type, COL5A1-Related; EDS I; EHLERS-DANLOS SYNDROME, GRAVIS TYPE; EHLERS-DANLOS SYNDROME, SEVERE CLASSIC TYPE. Identifiers: MedGen C0268335, MONDO:0019567, OMIM 130000.

Submission:

Labcorp Genetics (formerly Invitae), Labcorp
Classification: Uncertain significance for Ehlers-Danlos syndrome, classic type, 1. Last evaluated: 2025-09-25. Review status: criteria provided, single submitter. Criteria: Invitae Variant Classification Sherloc (09022015). Collection method: clinical testing. Allele origin: germline.
Comment: This sequence change replaces threonine, which is neutral and polar, with proline, which is neutral and non-polar, at codon 87 of the COL5A2 protein (p.Thr87Pro). This variant is not present in population databases (gnomAD no frequency). This variant has not been reported in the literature in individuals affected with COL5A2-related conditions. ClinVar contains an entry for this variant (Variation ID: 837519). Invitae Evidence Modeling of protein sequence and biophysical properties (such as structural, functional, and spatial information, amino acid conservation, physicochemical variation, residue mobility, and thermodynamic stability) indicates that this missense variant is not expected to disrupt COL5A2 protein function with a negative predictive value of 80%. In summary, the available evidence is currently insufficient to determine the role of this variant in disease. Therefore, it has been classified as a Variant of Uncertain Significance.

NM_000393.5(COL5A2):c.259A>C (p.Thr87Pro)

Gene: COL5A2 (collagen type V alpha 2 chain; minus strand). Cytogenetic location: 2q32.2.
Variant type: single nucleotide variant.
Coding change: c.259A>C on transcript NM_000393.5 (MANE Select); coding-DNA position 259, A replaced by C.
Protein change: p.Thr87Pro; replaces threonine 87 with proline.
Molecular consequence: missense variant.
Genome position (GRCh38, 1-based): chr2:189,110,288, T>G on the plus strand (A>C on the coding strand, the complement: COL5A2 is on the minus strand). VCF-style: chr2-189110288-T-G. GRCh37 (hg19) VCF-style: chr2-189975014-T-G.
Other names: short protein forms T87P.
Identifiers: ClinVar variation 837519 (VCV000837519.11), dbSNP rs1687234505, ClinGen allele CA349867697.